The following is an entry in ClinVar:

NM_004415.4(DSP):c.1575-4T>G

Gene: DSP (desmoplakin; plus strand). Cytogenetic location: 6p24.3.
Variant type: single nucleotide variant.
Coding change: c.1575-4T>G on transcript NM_004415.4 (MANE Select); 4 bases into the intron before coding-DNA position 1575, T replaced by G.
Molecular consequence: intron variant.
Genome position (GRCh38, 1-based): chr6:7,570,433, T>G. VCF-style: chr6-7570433-T-G. GRCh37 (hg19) VCF-style: chr6-7570666-T-G.
Other names: c.1575-4T>G (LRG_423t1, NM_001319034.2, NM_001008844.3).
Identifiers: ClinVar variation 511768 (VCV000511768.4), dbSNP rs745353405, ClinGen allele CA029032.

ClinVar aggregate classification (germline): Likely benign. Review status: criteria provided, multiple submitters, no conflicts (2 of 4 stars). 3 submissions from 3 submitters: Likely benign (3). Last evaluated 2025-08-24.

Conditions:
Cardiomyopathy (CMYO). Also called: Cardiomyopathies. Identifiers: Orphanet 167848, MedGen C0878544, MONDO:0004994, HP:0001638. Inheritance: Various modes of inheritance.
Arrhythmogenic cardiomyopathy with wooly hair and keratoderma. Also called: PALMOPLANTAR KERATODERMA WITH LEFT VENTRICULAR CARDIOMYOPATHY AND WOOLLY HAIR; Carvajal syndrome; Dilated cardiomyopathy with woolly hair and keratoderma; Arrhythmogenic cardiomyopathy with woolly hair and keratoderma. Identifiers: Orphanet 65282, MedGen C1854063, MONDO:0011581, OMIM 605676.
Arrhythmogenic right ventricular dysplasia 8 (ARVD8). Also called: ARRHYTHMOGENIC RIGHT VENTRICULAR DYSPLASIA, FAMILIAL, 8; ARRHYTHMOGENIC RIGHT VENTRICULAR CARDIOMYOPATHY 8; Arrhythmogenic Right Ventricular Dysplasia/Cardiomyopathy 8. Identifiers: MedGen C1843896, MONDO:0011831, OMIM 607450.

Allele frequency attached by ClinVar (database versions not stated): TOPMed below 0.00001; ExAC 0.00001; gnomAD exomes 0.00001.
gnomAD v4.1: 10 of 1,614,184 alleles (0.00062%); highest among the groups gnomAD compares: South Asian, 0.0099%; no homozygotes.

Submissions (3):

Labcorp Genetics (formerly Invitae), Labcorp
Classification: Likely benign for Arrhythmogenic cardiomyopathy with wooly hair and keratoderma; Arrhythmogenic right ventricular dysplasia 8. Last evaluated: 2025-08-24. Review status: criteria provided, single submitter. Criteria: Invitae Variant Classification Sherloc (09022015). Collection method: clinical testing. Allele origin: germline.

Color Diagnostics, LLC DBA Color Health
Classification: Likely benign for Cardiomyopathy. Last evaluated: 2025-07-28. Review status: criteria provided, single submitter. Criteria: ACMG Guidelines, 2015. Collection method: clinical testing. Allele origin: germline.

GeneDx
Classification: Likely benign. Last evaluated: 2017-08-31. Review status: criteria provided, single submitter. Criteria: GeneDx Variant Classification (06012015). Collection method: clinical testing. Allele origin: germline. Affected: yes.
Comment: This variant is considered likely benign or benign based on one or more of the following criteria: it is a conservative change, it occurs at a poorly conserved position in the protein, it is predicted to be benign by multiple in silico algorithms, and/or has population frequency not consistent with disease.